The following is an entry in ClinVar:

ClinVar aggregate classification (germline): Likely benign. Review status: criteria provided, multiple submitters, no conflicts (2 of 4 stars). 2 submissions from 2 submitters: Likely benign (2). Last evaluated 2025-04-25.

Conditions:
CDH23-related disorder. Also called: CDH23-related condition; CDH23-related disorders.

Allele frequency attached by ClinVar (database versions not stated): gnomAD 0.00001; gnomAD exomes 0.00001 and 0.00002; TOPMed 0.00001; ExAC 0.00005.
gnomAD v4.1: 15 of 1,606,318 alleles (0.00093%); highest among the groups gnomAD compares: South Asian, 0.0011%; no homozygotes.

Submissions (2):

PreventionGenetics, part of Exact Sciences
Classification: Likely benign for CDH23-related condition. Last evaluated: 2025-04-25. Review status: criteria provided, single submitter. Criteria: ACMG Guidelines, 2015. Collection method: clinical testing. Allele origin: germline.
Comment: This variant is classified as likely benign based on ACMG/AMP sequence variant interpretation guidelines (Richards et al. 2015 PMID: 25741868, with internal and published modifications).

Labcorp Genetics (formerly Invitae), Labcorp
Classification: Likely benign. Last evaluated: 2024-12-10. Review status: criteria provided, single submitter. Criteria: Invitae Variant Classification Sherloc (09022015). Collection method: clinical testing. Allele origin: germline.

NM_022124.6(CDH23):c.2073G>A (p.Leu691=)

Gene: CDH23 (cadherin related 23; plus strand). Cytogenetic location: 10q22.1.
Variant type: single nucleotide variant.
Coding change: c.2073G>A on transcript NM_022124.6 (MANE Select); coding-DNA position 2073, G replaced by A.
Protein change: p.Leu691=; no amino-acid change (leucine 691 retained).
Molecular consequence: synonymous variant.
Genome position (GRCh38, 1-based): chr10:71,690,481, G>A. VCF-style: chr10-71690481-G-A. GRCh37 (hg19) VCF-style: chr10-73450238-G-A.
Other names: c.2073G>A (NM_022124.5); c.2073G>A, p.Leu691= (NM_001171930.2, NM_001171931.2).
Identifiers: ClinVar variation 1097204 (VCV001097204.10), dbSNP rs746387293, ClinGen allele CA5544085.